The following is an entry in ClinVar:

NM_001377137.1(GBF1):c.3331T>C (p.Cys1111Arg)

Gene: GBF1 (golgi brefeldin A resistant guanine nucleotide exchange factor 1; plus strand). Cytogenetic location: 10q24.32.
Variant type: single nucleotide variant.
Coding change: c.3331T>C on transcript NM_001377137.1 (MANE Select); coding-DNA position 3331, T replaced by C.
Protein change: p.Cys1111Arg; replaces cysteine 1111 with arginine.
Molecular consequence: missense variant. On other transcripts: non-coding transcript variant (5).
Genome position (GRCh38, 1-based): chr10:102,369,976, T>C. VCF-style: chr10-102369976-T-C. GRCh37 (hg19) VCF-style: chr10-104129733-T-C.
Other names: c.3331T>C, p.Cys1111Arg (NM_001391923.1, NM_001199378.2); c.3328T>C, p.Cys1110Arg (NM_001391924.1, NM_001391927.1, NM_001391930.1 and 3 more transcripts); c.3292T>C, p.Cys1098Arg (NM_001391925.1, NM_001377138.1); c.3295T>C, p.Cys1099Arg (NM_001391926.1); c.3187T>C, p.Cys1063Arg (NM_001391928.1); c.3091T>C, p.Cys1031Arg (NM_001391929.1); c.2950T>C, p.Cys984Arg (NM_001391931.1); c.3403T>C, p.Cys1135Arg (NM_001411003.1); and 2 more; short protein forms C1012R, C1031R, C1063R, C1098R, C1099R, C1110R, C1111R, C1135R.
Identifiers: ClinVar variation 5018754 (VCV005018754.1).

ClinVar aggregate classification (germline): Uncertain significance (1 of 4 stars; one submission).

Conditions:
Charcot-Marie-Tooth Disease, axonal, type 2GG (CMT2GG). Also called: Charcot-Marie-Tooth disease dominant intermediate II; Charcot-Marie-Tooth neuropathy, type 2GG; Charcot-Marie-Tooth neuropathy, axonal, type 2GG. Identifiers: Orphanet 100043, MedGen C5561933, MONDO:0011675, OMIM 606483.

Submission:

Juno Genomics, Hangzhou Juno Genomics, Inc
Classification: Uncertain significance for Charcot-Marie-Tooth Disease, axonal, type 2GG. Review status: criteria provided, single submitter. Criteria: ACMG Guidelines, 2015. Collection method: clinical testing. Allele origin: germline. Affected: yes.
Comment: Absent from controls (or at extremely low frequency if recessive) in Genome Aggregation Database.;Multiple lines of computational evidence support a deleterious effect on the gene or gene product.;Missense variant in a gene that has a low rate of benign missense variation.